The following is an entry in ClinVar:

ClinVar aggregate classification (germline): Uncertain significance (1 of 4 stars; one submission).

Conditions:
Hereditary cancer-predisposing syndrome. Also called: Tumor predisposition; Hereditary neoplastic syndrome; Hereditary Cancer Syndrome; Neoplastic Syndromes, Hereditary. Identifiers: Orphanet 140162, MedGen C0027672, MeSH D009386, MONDO:0015356.

Submission:

Ambry Genetics
Classification: Uncertain significance for Hereditary cancer-predisposing syndrome. Last evaluated: 2024-02-02. Review status: criteria provided, single submitter. Criteria: Ambry Variant Classification Scheme 2023. Collection method: clinical testing. Allele origin: germline.
Comment: The p.D395V variant (also known as c.1184A>T), located in coding exon 5 of the BLM gene, results from an A to T substitution at nucleotide position 1184. The aspartic acid at codon 395 is replaced by valine, an amino acid with highly dissimilar properties. This amino acid position is conserved. In addition, this alteration is predicted to be tolerated by in silico analysis. Based on the available evidence, the clinical significance of this alteration remains unclear.

NM_000057.4(BLM):c.1184A>T (p.Asp395Val)

Gene: BLM (BLM RecQ like helicase; plus strand). Cytogenetic location: 15q26.1.
Variant type: single nucleotide variant.
Coding change: c.1184A>T on transcript NM_000057.4 (MANE Select); coding-DNA position 1184, A replaced by T.
Protein change: p.Asp395Val; replaces aspartic acid 395 with valine.
Molecular consequence: missense variant.
Genome position (GRCh38, 1-based): chr15:90,760,243, A>T. VCF-style: chr15-90760243-A-T. GRCh37 (hg19) VCF-style: chr15-91303473-A-T.
Other names: c.1184A>T, p.Asp395Val (NM_001287246.2, NM_001287247.2); c.59A>T, p.Asp20Val (NM_001287248.2); short protein forms D20V, D395V.
Identifiers: ClinVar variation 3223824 (VCV003223824.1), dbSNP rs2505422342, ClinGen allele CA393842499.